The following is an entry in ClinVar:

ClinVar aggregate classification (germline): Uncertain significance (1 of 4 stars; one submission).

Conditions:
DICER1-related tumor predisposition. Also called: DICER1 syndrome; DICER1-related pleuropulmonary blastoma cancer predisposition syndrome. Identifiers: Orphanet 284343, MedGen C3839822, MONDO:0100216.

Submission:

Labcorp Genetics (formerly Invitae), Labcorp
Classification: Uncertain significance for DICER1-related tumor predisposition. Last evaluated: 2024-10-06. Review status: criteria provided, single submitter. Criteria: Invitae Variant Classification Sherloc (09022015). Collection method: clinical testing. Allele origin: germline.
Comment: This sequence change replaces glutamine, which is neutral and polar, with glutamic acid, which is acidic and polar, at codon 84 of the DICER1 protein (p.Gln84Glu). This variant is not present in population databases (gnomAD no frequency). This variant has not been reported in the literature in individuals affected with DICER1-related conditions. Invitae Evidence Modeling of protein sequence and biophysical properties (such as structural, functional, and spatial information, amino acid conservation, physicochemical variation, residue mobility, and thermodynamic stability) indicates that this missense variant is not expected to disrupt DICER1 protein function with a negative predictive value of 95%. In summary, the available evidence is currently insufficient to determine the role of this variant in disease. Therefore, it has been classified as a Variant of Uncertain Significance.

NM_177438.3(DICER1):c.250C>G (p.Gln84Glu)

Gene: DICER1 (dicer 1, ribonuclease III; minus strand). Cytogenetic location: 14q32.13.
Variant type: single nucleotide variant.
Coding change: c.250C>G on transcript NM_177438.3 (MANE Select); coding-DNA position 250, C replaced by G.
Protein change: p.Gln84Glu; replaces glutamine 84 with glutamic acid.
Molecular consequence: missense variant. On other transcripts: 5 prime UTR variant (9), non-coding transcript variant (6).
Genome position (GRCh38, 1-based): chr14:95,132,572, G>C on the plus strand (C>G on the coding strand, the complement: DICER1 is on the minus strand). VCF-style: chr14-95132572-G-C. GRCh37 (hg19) VCF-style: chr14-95598909-G-C.
Other names: c.250C>G, p.Gln84Glu (NM_001195573.1, NM_001271282.3, NM_001291628.2 and 14 more transcripts); c.-25C>G (NM_001395686.1, NM_001395687.1, NM_001395688.1 and 4 more transcripts); c.-209C>G (NM_001395691.1); c.-1319C>G (NM_001395697.1); short protein forms Q84E.
Identifiers: ClinVar variation 3720204 (VCV003720204.2).
Genomic context (GRCh38, chr14:95,132,572, plus strand): 5'-TACCAGAGTTGACCAAGAACACCGTCCTTTTTCCATTTCTGCTGAAGTCTCCCCTGATCT[G>C]ATAGGACAGCTCTTTAGTGAGTAGTACTGCAATAAATGTCTTCCCTGAGCCAGTGTTTAA-3'
Protein context (NP_803187.1, residues 74-94): AVLLTKELSY[Gln84Glu]IRGDFSRNGK